The following is an entry in ClinVar:

NM_016169.4(SUFU):c.109A>G (p.Ile37Val)

Gene: SUFU (SUFU negative regulator of hedgehog signaling; plus strand). Cytogenetic location: 10q24.32.
Variant type: single nucleotide variant.
Coding change: c.109A>G on transcript NM_016169.4 (MANE Select); coding-DNA position 109, A replaced by G.
Protein change: p.Ile37Val; replaces isoleucine 37 with valine.
Molecular consequence: missense variant.
Genome position (GRCh38, 1-based): chr10:102,504,261, A>G. VCF-style: chr10-102504261-A-G. GRCh37 (hg19) VCF-style: chr10-104264018-A-G.
Other names: c.109A>G, p.Ile37Val (NM_001178133.2); short protein forms I37V.
Identifiers: ClinVar variation 852769 (VCV000852769.12), dbSNP rs745793517, ClinGen allele CA5667594.

ClinVar aggregate classification (germline): Conflicting classifications of pathogenicity. Review status: criteria provided, conflicting classifications (1 of 4 stars). 4 submissions from 4 submitters: Uncertain significance (3); Benign (1). Last evaluated 2025-11-25.

Conditions:
Hereditary cancer-predisposing syndrome. Also called: Neoplastic Syndromes, Hereditary; Hereditary Cancer Syndrome; Hereditary neoplastic syndrome; Tumor predisposition. Identifiers: Orphanet 140162, MedGen C0027672, MeSH D009386, MONDO:0015356.
Familial meningioma. Also called: Meningioma, familial, susceptibility to. Identifiers: Orphanet 263662, MedGen C3551915, MONDO:0011789, OMIM 607174.
Gorlin syndrome. Also called: Nevoid Basal Cell Carcinoma Syndrome; Basal cell nevus syndrome. Identifiers: Orphanet 377, MedGen C0004779, MONDO:0007187.
Medulloblastoma (MDB). Also called: Medulloblastoma, somatic; MEDULLOBLASTOMA PREDISPOSITION SYNDROME. Identifiers: Orphanet 616, MedGen C0025149, MeSH D008527, MONDO:0007959, OMIM 155255, HP:0002885.

Allele frequency attached by ClinVar (database versions not stated): gnomAD exomes below 0.00001 and 0.00003; TOPMed below 0.00001; gnomAD 0.00001; ExAC 0.00002.
gnomAD v4.1: 5 of 1,521,868 alleles (0.00033%); highest among the groups gnomAD compares: East Asian, 0.013%; no homozygotes.

Submissions (4):

Labcorp Genetics (formerly Invitae), Labcorp
Classification: Uncertain significance for Gorlin syndrome; Medulloblastoma. Last evaluated: 2025-11-25. Review status: criteria provided, single submitter. Criteria: Invitae Variant Classification Sherloc (09022015). Collection method: clinical testing. Allele origin: germline.
Comment: This sequence change replaces isoleucine, which is neutral and non-polar, with valine, which is neutral and non-polar, at codon 37 of the SUFU protein (p.Ile37Val). This variant is present in population databases (rs745793517, gnomAD 0.03%). This missense change has been observed in individual(s) with Joubert syndrome (PMID: 28965847). ClinVar contains an entry for this variant (Variation ID: 852769). Invitae Evidence Modeling of protein sequence and biophysical properties (such as structural, functional, and spatial information, amino acid conservation, physicochemical variation, residue mobility, and thermodynamic stability) indicates that this missense variant is not expected to disrupt SUFU protein function with a negative predictive value of 80%. In summary, the available evidence is currently insufficient to determine the role of this variant in disease. Therefore, it has been classified as a Variant of Uncertain Significance.

Ambry Genetics
Classification: Benign for Hereditary cancer-predisposing syndrome. Last evaluated: 2024-01-30. Review status: criteria provided, single submitter. Criteria: Ambry Variant Classification Scheme 2023. Collection method: clinical testing. Allele origin: germline.

GeneDx
Classification: Uncertain significance. Last evaluated: 2024-01-17. Review status: criteria provided, single submitter. Criteria: GeneDx Variant Classification Process June 2021. Collection method: clinical testing. Allele origin: germline. Affected: yes.
Comment: In silico analysis supports that this missense variant does not alter protein structure/function; Observed in an individual with Joubert syndrome and their unaffected mother (PMID: 28965847); This variant is associated with the following publications: (PMID: 24311597, 29245897, 28965847)

Baylor Genetics
Classification: Uncertain significance for Familial meningioma. Last evaluated: 2023-10-10. Review status: criteria provided, single submitter. Criteria: ACMG Guidelines, 2015. Collection method: clinical testing. Allele origin: unknown.

Literature cited by the submitters: PubMed 28965847 (cited by Labcorp Genetics (formerly Invitae), Labcorp).